The following is an entry in ClinVar:

NM_003482.4(KMT2D):c.6527C>T (p.Pro2176Leu)

Gene: KMT2D (lysine methyltransferase 2D; minus strand). Cytogenetic location: 12q13.12.
Variant type: single nucleotide variant.
Coding change: c.6527C>T on transcript NM_003482.4 (MANE Select); coding-DNA position 6527, C replaced by T.
Protein change: p.Pro2176Leu; replaces proline 2176 with leucine.
Molecular consequence: missense variant.
Genome position (GRCh38, 1-based): chr12:49,041,243, G>A on the plus strand (C>T on the coding strand, the complement: KMT2D is on the minus strand). VCF-style: chr12-49041243-G-A. GRCh37 (hg19) VCF-style: chr12-49435026-G-A.
Other names: short protein forms P2176L.
Identifiers: ClinVar variation 4882844 (VCV004882844.2).

ClinVar aggregate classification (germline): Uncertain significance (1 of 4 stars; one submission).

gnomAD v4.1: 3 of 1,516,678 alleles (0.0002%); highest among the groups gnomAD compares: East Asian, 0.0023%; no homozygotes.

Submission:

Dasa
Classification: Uncertain significance. Last evaluated: 2025-09-12. Review status: criteria provided, single submitter. Criteria: DASA Assertion Criteria. Collection method: clinical testing. Allele origin: germline.
Comment: NM_003482.4(KMT2D):c.6527C>T (p.Pro2176Leu) is a missense variant that results in the substitution of proline with leucine. This variant is rare in population databases. The currently available literature and clinical evidence are not sufficient to establish a definitive association between this variant and the reported condition. Therefore, this variant is classified as a variant of uncertain significance.